The following is an entry in ClinVar:

ClinVar aggregate classification (germline): Uncertain significance (1 of 4 stars; one submission).

Conditions:
Focal segmental glomerulosclerosis 7 (FSGS7). Identifiers: Orphanet 656, MedGen C4014925, MONDO:0014451, OMIM 616002.
Renal coloboma syndrome (PAPRS). Also called: COLOBOMA OF OPTIC NERVE WITH RENAL DISEASE; OPTIC COLOBOMA, VESICOURETERAL REFLUX, AND RENAL ANOMALIES; OPTIC NERVE COLOBOMA WITH RENAL DISEASE; RENAL-COLOBOMA SYNDROME WITH MACULAR ABNORMALITIES; PAPILLORENAL SYNDROME WITH MILD OCULAR ABNORMALITIES; CONGENITAL ANOMALIES OF THE KIDNEY AND URINARY TRACT WITH OR WITHOUT OCULAR ABNORMALITIES. Identifiers: Orphanet 1475, MedGen C1852759, MONDO:0007352, OMIM 120330.

Allele frequency attached by ClinVar (database versions not stated): gnomAD 0.00001; TOPMed 0.00001.
gnomAD v4.1: 2 of 1,613,968 alleles (0.00012%); highest among the groups gnomAD compares: African/African-American, 0.0027%; no homozygotes.

Submission:

Labcorp Genetics (formerly Invitae), Labcorp
Classification: Uncertain significance for Renal coloboma syndrome; Focal segmental glomerulosclerosis 7. Last evaluated: 2022-12-08. Review status: criteria provided, single submitter. Criteria: Invitae Variant Classification Sherloc (09022015). Collection method: clinical testing. Allele origin: germline.
Comment: In summary, the available evidence is currently insufficient to determine the role of this variant in disease. Therefore, it has been classified as a Variant of Uncertain Significance. Variants that disrupt the consensus splice site are a relatively common cause of aberrant splicing (PMID: 17576681, 9536098). Algorithms developed to predict the effect of sequence changes on RNA splicing suggest that this variant may disrupt the consensus splice site. ClinVar contains an entry for this variant (Variation ID: 1377452). This variant has not been reported in the literature in individuals affected with PAX2-related conditions. This variant is not present in population databases (gnomAD no frequency). This sequence change falls in intron 5 of the PAX2 gene. It does not directly change the encoded amino acid sequence of the PAX2 protein. It affects a nucleotide within the consensus splice site.

Literature cited by the submitters: PubMed 17576681; PubMed 9536098.

NM_000278.5(PAX2):c.616+4G>A

Gene: PAX2 (paired box 2; plus strand). Cytogenetic location: 10q24.31.
Variant type: single nucleotide variant.
Coding change: c.616+4G>A on transcript NM_000278.5 (MANE Select); 4 bases into the intron after coding-DNA position 616, G replaced by A.
Molecular consequence: intron variant.
Genome position (GRCh38, 1-based): chr10:100,781,369, G>A. VCF-style: chr10-100781369-G-A. GRCh37 (hg19) VCF-style: chr10-102541126-G-A.
Other names: c.709+4G>A (NM_001304569.2); c.616+4G>A (NM_003987.5, NM_003990.5, NM_003988.5 and 1 more transcripts).
Identifiers: ClinVar variation 1377452 (VCV001377452.6), dbSNP rs1490836600, ClinGen allele CA658877497.